The following is an entry in ClinVar:

NM_000179.3(MSH6):c.392T>C (p.Val131Ala)

Gene: MSH6 (mutS homolog 6; plus strand). Cytogenetic location: 2p16.3.
Variant type: single nucleotide variant.
Coding change: c.392T>C on transcript NM_000179.3 (MANE Select); coding-DNA position 392, T replaced by C.
Protein change: p.Val131Ala; replaces valine 131 with alanine.
Molecular consequence: missense variant. On other transcripts: 5 prime UTR variant (2), intron variant (1).
Genome position (GRCh38, 1-based): chr2:47,791,058, T>C. VCF-style: chr2-47791058-T-C. GRCh37 (hg19) VCF-style: chr2-48018197-T-C.
Other names: c.-345T>C (NM_001281493.2); c.-511T>C (NM_001281494.2); c.238-7553T>C (NM_001281492.2); short protein forms V131A.
Identifiers: ClinVar variation 947070 (VCV000947070.12), dbSNP rs1668697788, ClinGen allele CA346737070.
Genomic context (GRCh38, chr2:47,791,058, plus strand): 5'-ACAACCACCCCTTTGATGGAACATTCATCCGCGAGAAAGGGAAATCAGTCCGTGTTCATG[T>C]ACAGTTTTTTGATGACAGCCCAACAAGGGGCTGGGTTAGCAAAAGGCTTTTAAAGCCATA-3'
Protein context (NP_000170.1, residues 121-141): REKGKSVRVH[Val131Ala]QFFDDSPTRG

ClinVar aggregate classification (germline): Uncertain significance. Review status: criteria provided, multiple submitters, no conflicts (2 of 4 stars). 2 submissions from 2 submitters: Uncertain significance (2). Last evaluated 2022-09-20.

Conditions:
Hereditary nonpolyposis colorectal neoplasms. Identifiers: MedGen C0009405, MeSH D003123.
Hereditary cancer-predisposing syndrome. Also called: Hereditary neoplastic syndrome; Neoplastic Syndromes, Hereditary; Tumor predisposition; Hereditary Cancer Syndrome. Identifiers: Orphanet 140162, MedGen C0027672, MeSH D009386, MONDO:0015356.

Submissions (2):

Ambry Genetics
Classification: Uncertain significance for Hereditary cancer-predisposing syndrome. Last evaluated: 2022-09-20. Review status: criteria provided, single submitter. Criteria: Ambry Variant Classification Scheme 2023. Collection method: clinical testing. Allele origin: germline.
Comment: The p.V131A variant (also known as c.392T>C), located in coding exon 2 of the MSH6 gene, results from a T to C substitution at nucleotide position 392. The valine at codon 131 is replaced by alanine, an amino acid with similar properties. This amino acid position is highly conserved in available vertebrate species. In addition, this alteration is predicted to be deleterious by in silico analysis. Since supporting evidence is limited at this time, the clinical significance of this alteration remains unclear.

Labcorp Genetics (formerly Invitae), Labcorp
Classification: Uncertain significance for Hereditary nonpolyposis colorectal neoplasms. Last evaluated: 2021-08-12. Review status: criteria provided, single submitter. Criteria: Invitae Variant Classification Sherloc (09022015). Collection method: clinical testing. Allele origin: germline.
Comment: In summary, the available evidence is currently insufficient to determine the role of this variant in disease. Therefore, it has been classified as a Variant of Uncertain Significance. Algorithms developed to predict the effect of missense changes on protein structure and function (SIFT, PolyPhen-2, Align-GVGD) all suggest that this variant is likely to be disruptive, but these predictions have not been confirmed by published functional studies and their clinical significance is uncertain. This variant has been reported in individuals in the Leiden Open-source Variation Database (PMID: 21520333). This variant is not present in population databases (ExAC no frequency). This sequence change replaces valine with alanine at codon 131 of the MSH6 protein (p.Val131Ala). The valine residue is highly conserved and there is a small physicochemical difference between valine and alanine.

Literature cited by the submitters: PubMed 21520333 (cited by Labcorp Genetics (formerly Invitae), Labcorp).